The following is an entry in ClinVar:

NM_014855.3(AP5Z1):c.675G>C (p.Val225=)

Gene: AP5Z1 (adaptor related protein complex 5 subunit zeta 1; plus strand). Cytogenetic location: 7p22.1.
Variant type: single nucleotide variant.
Coding change: c.675G>C on transcript NM_014855.3 (MANE Select); coding-DNA position 675, G replaced by C.
Protein change: p.Val225=; no amino-acid change (valine 225 retained).
Molecular consequence: synonymous variant. On other transcripts: non-coding transcript variant (1).
Genome position (GRCh38, 1-based): chr7:4,784,256, G>C. VCF-style: chr7-4784256-G-C. GRCh37 (hg19) VCF-style: chr7-4823887-G-C.
Other names: c.675G>C (NM_014855.2); c.207G>C, p.Val69= (NM_001364858.1).
Identifiers: ClinVar variation 1161890 (VCV001161890.12), dbSNP rs374167435, ClinGen allele CA4137314.
Genomic context (GRCh38, chr7:4,784,256, plus strand): 5'-CCCACAGCCGGGCCCCGTCACCGAGGTGGACGGGGCGGTAGCCACAGACTTCTTCACGGT[G>C]CTCTCCAGCGGCCACCGCTTCACAGACGACCAGTGGCTGAACGTGCAGGCCTTCTCTATG-3'
Protein context (NP_055670.1, residues 215-235): DGAVATDFFT[Val225=]LSSGHRFTDD

ClinVar aggregate classification (germline): Likely benign. Review status: criteria provided, multiple submitters, no conflicts (2 of 4 stars). 3 submissions from 3 submitters: Likely benign (2). 1 of the submissions does not count toward it. Last evaluated 2025-06-12.

Conditions:
Hereditary spastic paraplegia 48. Also called: SPASTIC PARAPLEGIA 48, AUTOSOMAL RECESSIVE; Spastic paraplegia 48. Identifiers: Orphanet 306511, MedGen C3150901, MONDO:0013342, OMIM 613647.
AP5Z1-related disorder. Also called: AP5Z1-related condition.

Allele frequency attached by ClinVar (database versions not stated): gnomAD exomes 0.00009; ExAC 0.00028; TOPMed 0.00028; 1000 Genomes Project 30x 0.00031; gnomAD 0.00031 and 0.00036; 1000 Genomes Project 0.00040; ESP Exome Variant Server 0.00056.
gnomAD v4.1: 78 of 1,597,310 alleles (0.0049%); highest among the groups gnomAD compares: African/African-American, 0.092%; no homozygotes.

Submissions (3):

Labcorp Genetics (formerly Invitae), Labcorp
Classification: Likely benign for Hereditary spastic paraplegia 48. Last evaluated: 2025-06-12. Review status: criteria provided, single submitter. Criteria: Invitae Variant Classification Sherloc (09022015). Collection method: clinical testing. Allele origin: germline.

Blueprint Genetics
Classification: Likely benign. Last evaluated: 2024-10-04. Review status: criteria provided, single submitter. Criteria: ACMG Guidelines, 2015. Collection method: clinical testing. Allele origin: germline.

PreventionGenetics, part of Exact Sciences
Classification: Likely benign for AP5Z1-related condition. Last evaluated: 2019-03-12. Review status: no assertion criteria provided. Collection method: clinical testing. Allele origin: germline. Not counted in ClinVar's aggregate classification.
Comment: This variant is classified as likely benign based on ACMG/AMP sequence variant interpretation guidelines (Richards et al. 2015 PMID: 25741868, with internal and published modifications).